The following is an entry in ClinVar:

NM_000277.3(PAH):c.1066-3C>T

Gene: PAH (phenylalanine hydroxylase; minus strand). Cytogenetic location: 12q23.2.
Variant type: single nucleotide variant.
Coding change: c.1066-3C>T on transcript NM_000277.3 (MANE Select); 3 bases into the intron before coding-DNA position 1066, C replaced by T.
Molecular consequence: intron variant.
Genome position (GRCh38, 1-based): chr12:102,843,782, G>A on the plus strand (C>T on the coding strand, the complement: PAH is on the minus strand). VCF-style: chr12-102843782-G-A. GRCh37 (hg19) VCF-style: chr12-103237560-G-A.
Other names: NM_000277.1(PAH):c.1066-3C>T; p.?; IVS10AS, C-T, -3; c.1066-3C>T (NM_001354304.2, NM_000277.2).
Identifiers: ClinVar variation 623 (VCV000000623.108), dbSNP rs62507344, ClinGen allele CA229324.
Genomic context (GRCh38, chr12:102,843,782, plus strand): 5'-GGATGGCTGTCTTCTCCAGCTCCAGGGGGAGAAGCTTTGGCTTCTCTGATAAGCAGTACT[G>A]TAGGCCCCAAGTGAAAAGTTATTATCACTGTTAAATCAGGATCAGTATTCCCTGCTGCAT-3'

ClinVar aggregate classification (germline): Pathogenic. Review status: reviewed by expert panel (3 of 4 stars). 14 submissions from 14 submitters: Pathogenic (1). 13 of the submissions do not count toward it. Last evaluated 2023-12-30.

Conditions:
PAH-related disorder. Also called: PAH-related condition.
Phenylketonuria (PKU). Also called: FOLLING DISEASE; Phenylketonurias; Phenylketonuria (PKU); OLIGOPHRENIA PHENYLPYRUVICA. Identifiers: Orphanet 716, MedGen C0031485, MONDO:0009861, OMIM 261600. Disease mechanism: loss of function.

Allele frequency attached by ClinVar (database versions not stated): TOPMed 0.00001; gnomAD 0.00002; gnomAD exomes 0.00004 and 0.00006; ExAC 0.00004.
gnomAD v4.1: 83 of 1,613,418 alleles (0.0051%); highest among the groups gnomAD compares: Non-Finnish European, 0.0058%; no homozygotes.

Submissions (14):

ClinGen PAH Variant Curation Expert Panel
Classification: Pathogenic for Phenylketonuria. Last evaluated: 2023-12-30. Review status: reviewed by expert panel. Criteria: ClinGen PAH ACMG Specifications v1. Collection method: curation. Allele origin: germline. Inheritance: Autosomal recessive inheritance.
Comment: The c.1066-3C>T variant in PAH has been reported in multiple individuals with Classic PKU and MHP (BH4 deficiency excluded). (PMID: 9634518, 27121329). It has been detected with multiple pathogenic variants: c.1222C>T (p.Arg408Trp) (in trans, PMID: 27121329); c.1315+1G>A (PMID: 17502162); p.G272X, p.S310F (PMID: 23430918); c.194T>C (p.I65T), c.1208C>T (p.A403V), c.398_401del (p.N133fs), c.1222C>T (p.R408W) 2 patients, c.165delT (p.F55fs), c.168+5G>C (IVS2+5G>C) (PMID: 22526846). This variant has an extremely low allele frequency in ExAC and gnomAD (MAF=0.00014). This variant has 0% enzyme activity. This variant resulted in the skipping of exon 11 with the premature termination of RNA translation downstream from exon 12 (PMID: 8098245). In summary, this variant meets criteria to be classified as pathogenic for PAH. PAH-specific ACMG/AMP criteria applied: PM3_very-strong, PP4_Moderate, PM2_supporting.

Natera, Inc.
Classification: Pathogenic for Phenylketonuria. Last evaluated: 2025-12-09. Review status: criteria provided, single submitter. Criteria: Natera Variant Classification Schema (03/2026). Collection method: clinical testing. Allele origin: germline. Not counted in ClinVar's aggregate classification.
Comment: The c.1066-3C>T variant in PAH is an intronic variant located outside the canonical splice sites. This variant is rare in the general population with a frequency below the threshold expected for the associated phenotype(s). This variant has been observed in one or more individuals affected with the associated recessive disease, as either homozygous or compound heterozygous with a second variant (PMID: 22526846, 23357515). Computational prediction algorithms indicate this variant is likely to affect gene or protein function. Given the available evidence, this variant is classified as Pathogenic.

Labcorp Genetics (formerly Invitae), Labcorp
Classification: Pathogenic for Phenylketonuria. Last evaluated: 2025-10-24. Review status: criteria provided, single submitter. Criteria: Invitae Variant Classification Sherloc (09022015). Collection method: clinical testing. Allele origin: germline. Not counted in ClinVar's aggregate classification.
Comment: This sequence change falls in intron 10 of the PAH gene. It does not directly change the encoded amino acid sequence of the PAH protein. It affects a nucleotide within the consensus splice site. This variant is present in population databases (rs62507344, gnomAD 0.02%). This variant has been observed in individual(s) with mild hyperphenylalaninemia and phenylketonuria (PMID: 8098245, 17502162, 19444284, 22526846, 22698810, 23357515, 24368688, 26666653). In at least one individual the data is consistent with being in trans (on the opposite chromosome) from a pathogenic variant. ClinVar contains an entry for this variant (Variation ID: 623). Variants that disrupt the consensus splice site are a relatively common cause of aberrant splicing (PMID: 17576681, 9536098). Studies have shown that this variant alters mRNA splicing and is expected to lead to the loss of protein expression (PMID: 8098245, 22698810). For these reasons, this variant has been classified as Pathogenic.

Mayo Clinic Laboratories, Mayo Clinic
Classification: Pathogenic. Last evaluated: 2024-09-03. Review status: criteria provided, single submitter. Criteria: ACMG Guidelines, 2015. Collection method: clinical testing. Allele origin: germline. Observed: 1 variant allele. Not counted in ClinVar's aggregate classification.
Comment: PP4_moderate, PM2, PM3_very_strong

Blueprint Genetics
Classification: Pathogenic for PAH-related disorders. Last evaluated: 2024-07-09. Review status: criteria provided, single submitter. Criteria: ACMG Guidelines, 2015. Collection method: clinical testing. Allele origin: germline. Affected: yes. Observed: 5 variant alleles. Not counted in ClinVar's aggregate classification.

Laboratory of Medical Genetics, National & Kapodistrian University of Athens
Classification: Pathogenic for Phenylketonuria. Last evaluated: 2024-02-01. Review status: criteria provided, single submitter. Criteria: ACMG Guidelines, 2015. Collection method: curation. Allele origin: germline. Affected: no. Not counted in ClinVar's aggregate classification.

GeneDx
Classification: Pathogenic. Last evaluated: 2020-01-06. Review status: criteria provided, single submitter. Criteria: GeneDx Variant Classification Process June 2021. Collection method: clinical testing. Allele origin: germline. Affected: yes. Not counted in ClinVar's aggregate classification.
Comment: Published in vitro study demonstrates the c.1066-3C>T variant results in skipping of exon 11 (Abadie et al., 1993); Not observed at a significant frequency in large population cohorts (Lek et al., 2016); Responsiveness to tetrahydrobiopterin (BH4) therapy is not clear (Sarkissian et al., 2012); This variant is associated with the following publications: (PMID: 33101986, 32668217, 31589614, 22526846, 8098245, 29288420, 26666653, 24368688, 7657610, 15464430, 22513348, 21147011, 22698810, 22841515, 23430918, 23672685)

Women's Health and Genetics/Laboratory Corporation of America, LabCorp
Classification: Pathogenic for Phenylketonuria. Last evaluated: 2019-05-13. Review status: criteria provided, single submitter. Criteria: LabCorp Variant Classification Summary - May 2015. Collection method: clinical testing. Allele origin: germline. Not counted in ClinVar's aggregate classification.
Comment: Variant summary: PAH c.1066-3C>T alters a conserved nucleotide located close to a canonical splice site and therefore could affect mRNA splicing, leading to a significantly altered protein sequence. Several computational tools predict a significant impact on normal splicing: Two predict the variant abolishes a 3' acceptor site and two predict the variant weakens a 3' acceptor site. At least one publication reports experimental evidence that this variant affects mRNA splicing leading to exon 11 skipping (Heintz_2012). The variant allele was found at a frequency of 4e-05 in 250904 control chromosomes (gnomAD). This frequency is not significantly higher than expected for a pathogenic variant in PAH causing Phenylalanine Hydroxylase Deficiency (Phenylketonuria) (4e-05 vs 0.0079), allowing no conclusion about variant significance. c.1066-3C>T has been reported in the literature in multiple individuals affected with Phenylketonuria and Hyperphenylalaninemia (Heintz_2012, Reblova_2013, Sterl_2013). One clinical diagnostic laboratory has submitted clinical-significance assessments for this variant to ClinVar after 2014 without evidence for independent evaluation and classified the variant as pathogenic. Based on the evidence outlined above, the variant was classified as pathogenic.

Illumina Laboratory Services, Illumina
Classification: Pathogenic for Phenylketonuria. Last evaluated: 2018-12-18. Review status: criteria provided, single submitter. Criteria: ICSL Variant Classification Criteria 09 May 2019. Collection method: clinical testing. Allele origin: germline. Not counted in ClinVar's aggregate classification.
Comment: Across a selection of the available literature, the PAH c.1066-3C>T splice region variant has been reported in at least six studies in which it is found in a total of 15 probands including one in a homozygous state and 14 in a compound heterozygous state (Abadie et al. 1993; Dobrowolski et al. 2009; Heintz et al. 2012; Sterl et al. 2013; Ho et al. 2014; Jeannesson-Thivisol et al. 2015). Control data are unavailable for this variant, which is reported at a frequency of 0.00019 in the European (Finnish) population of the Genome Aggregation Database. Liver biopsy from a compound heterozygous proband found 1.5% of normal PAH activity (Abadie et al. 1993). RT-PCR of proband derived lymphoblast cells indicated exon 11 skipping and COS-1 cells transfected with minigenes confirmed c.1066-3C>T as the cause of exon 11 skipping (Heintz et al. 2012). Based on the evidence, the c.1066-3C>T variant is classified as pathogenic for phenylalanine hydroxylase deficiency. This variant was observed by ICSL as part of a predisposition screen in an ostensibly healthy population.

Eurofins Ntd Llc (ga)
Classification: Pathogenic. Last evaluated: 2014-11-06. Review status: criteria provided, single submitter. Criteria: EGL Classification Definitions 2015. Collection method: clinical testing. Allele origin: germline. Observed: 3 variant alleles, 3 heterozygotes. Not counted in ClinVar's aggregate classification.

Clinical Genetics Service, Universitary Hospital 12 de Octubre
Classification: Pathogenic for Phenylketonuria. Review status: criteria provided, single submitter. Criteria: ACMG Guidelines, 2015. Collection method: clinical testing. Allele origin: paternal. Affected: yes. Not counted in ClinVar's aggregate classification.

Counsyl
Classification: Likely pathogenic for Phenylketonuria. Last evaluated: 2014-11-06. Review status: no assertion criteria provided. Collection method: literature only. Allele origin: unknown. Inheritance: Autosomal recessive inheritance. Not counted in ClinVar's aggregate classification.

OMIM
Classification: Pathogenic for PHENYLKETONURIA. Last evaluated: 1993-01-01. Review status: no assertion criteria provided. Collection method: literature only. Allele origin: germline. Not counted in ClinVar's aggregate classification.

DeBelle Laboratory for Biochemical Genetics, MUHC/MCH RESEARCH INSTITUTE
No classification provided. Review status: no classification provided. Collection method: not provided. Allele origin: not provided. Not counted in ClinVar's aggregate classification.

Literature cited by the submitters: PubMed 22526846 (cited by 6 submitters); PubMed 23357515 (cited by 5 submitters); PubMed 8098245 (cited by 6 submitters); PubMed 17502162 (cited by 3 submitters); PubMed 19444284 (cited by 3 submitters); PubMed 22698810 (cited by 5 submitters); PubMed 24368688 (cited by 4 submitters); PubMed 26666653 (cited by 3 submitters); PubMed 17576681 (cited by Labcorp Genetics (formerly Invitae), Labcorp); PubMed 9536098 (cited by Labcorp Genetics (formerly Invitae), Labcorp); PubMed 23430918 (cited by Mayo Clinic Laboratories, Mayo Clinic and Counsyl); PubMed 23942198 (cited by Mayo Clinic Laboratories, Mayo Clinic and Eurofins Ntd Llc (ga)); PubMed 27121329 (cited by Mayo Clinic Laboratories, Mayo Clinic); PubMed 9634518 (cited by Mayo Clinic Laboratories, Mayo Clinic); PubMed 17935162 (cited by Eurofins Ntd Llc (ga)); PubMed 24350308 (cited by Eurofins Ntd Llc (ga) and Counsyl); PubMed 8533759 (cited by Counsyl); PubMed 22841515 (cited by Counsyl); PubMed 12655553 (cited by Counsyl); PubMed 22513348 (cited by Counsyl); PubMed 21147011 (cited by Counsyl); PubMed 15464430 (cited by Counsyl); PubMed 10394930 (cited by Counsyl).